The following is an entry in ClinVar:

NM_005379.4(MYO1A):c.1270-10C>T

Gene: MYO1A (myosin IA; minus strand). Cytogenetic location: 12q13.3.
Variant type: single nucleotide variant.
Coding change: c.1270-10C>T on transcript NM_005379.4 (MANE Select); 10 bases into the intron before coding-DNA position 1270, C replaced by T.
Molecular consequence: intron variant.
Genome position (GRCh38, 1-based): chr12:57,039,284, G>A on the plus strand (C>T on the coding strand, the complement: MYO1A is on the minus strand). VCF-style: chr12-57039284-G-A. GRCh37 (hg19) VCF-style: chr12-57433068-G-A.
Other names: c.1270-10C>T (NM_001256041.2).
Identifiers: ClinVar variation 164595 (VCV000164595.4), dbSNP rs727503322, ClinGen allele CA177315.

ClinVar aggregate classification (germline): Likely benign (1 of 4 stars; one submission).

Allele frequency attached by ClinVar (database versions not stated): gnomAD 0.00001; TOPMed 0.00003 and 0.00002; gnomAD exomes 0.00001.
gnomAD v4.1: 12 of 1,612,320 alleles (0.00074%); highest among the groups gnomAD compares: Non-Finnish European, 0.00093%; no homozygotes.

Submission:

Laboratory for Molecular Medicine, Mass General Brigham Personalized Medicine
Classification: Likely benign. Last evaluated: 2014-07-16. Review status: criteria provided, single submitter. Criteria: LMM Criteria. Collection method: clinical testing. Allele origin: germline. Observed: 1 variant allele.
Comment: 1270-10C>T in intron 14 of MYO1A: This variant is not expected to have clinical significance because a C>T change at this position does not diverge from the spl ice consensus sequence and is therefore unlikely to impact splicing.